The following is an entry in ClinVar:

ClinVar aggregate classification (germline): Pathogenic. Review status: criteria provided, multiple submitters, no conflicts (2 of 4 stars). 5 submissions from 5 submitters: Pathogenic (4). 1 of the submissions does not count toward it. Last evaluated 2026-01-03.

Conditions:
Tuberous sclerosis syndrome (TSC). Also called: Tuberous Sclerosis Complex; Tuberous sclerosis. Identifiers: Orphanet 805, MedGen C0041341, MONDO:0001734.
Hereditary cancer-predisposing syndrome. Also called: Neoplastic Syndromes, Hereditary; Tumor predisposition; Hereditary Cancer Syndrome; Hereditary neoplastic syndrome. Identifiers: Orphanet 140162, MedGen C0027672, MeSH D009386, MONDO:0015356.
Tuberous sclerosis 2 (TSC2). Identifiers: Orphanet 805, MedGen C1860707, MONDO:0013199, OMIM 613254.

Submissions (5):

GeneDx
Classification: Pathogenic. Last evaluated: 2026-01-03. Review status: criteria provided, single submitter. Criteria: GeneDx Variant Classification Process June 2021. Collection method: clinical testing. Allele origin: germline. Affected: yes.
Comment: Nonsense variant predicted to result in protein truncation or nonsense mediated decay in a gene for which loss of function is a known mechanism of disease; Not observed at significant frequency in large population cohorts (gnomAD); This variant is associated with the following publications: (PMID: 39669605, 25525159, 10205261, 10090883, 12111193, 15121797, 17304050, 28065512, 35870981, 39596632, 39110368)

Ambry Genetics
Classification: Pathogenic for Hereditary cancer-predisposing syndrome. Last evaluated: 2025-12-04. Review status: criteria provided, single submitter. Criteria: Ambry Variant Classification Scheme 2023. Collection method: clinical testing. Allele origin: germline.
Comment: The p.Q1419* pathogenic mutation (also known as c.4255C>T), located in coding exon 33 of the TSC2 gene, results from a C to T substitution at nucleotide position 4255. This changes the amino acid from a glutamine to a stop codon within coding exon 33. This variant was reported in individual(s) with features consistent with tuberous sclerosis complex (Jones AC et al. Am. J. Hum. Genet., 1999 May;64:1305-15; Cai Y et al. Urology, 2017 Jan; Roberts PS et al. J. Med. Genet., 2004 May;41:e69; Ambry internal data). This variant is considered to be rare based on population cohorts in the Genome Aggregation Database (gnomAD). This alteration is expected to result in loss of function by premature protein truncation or nonsense-mediated mRNA decay. As such, this alteration is interpreted as a disease-causing mutation.

Labcorp Genetics (formerly Invitae), Labcorp
Classification: Pathogenic for Tuberous sclerosis 2. Last evaluated: 2024-09-23. Review status: criteria provided, single submitter. Criteria: Invitae Variant Classification Sherloc (09022015). Collection method: clinical testing. Allele origin: germline.
Comment: This sequence change creates a premature translational stop signal (p.Gln1419*) in the TSC2 gene. It is expected to result in an absent or disrupted protein product. Loss-of-function variants in TSC2 are known to be pathogenic (PMID: 10205261, 17304050). This variant is not present in population databases (gnomAD no frequency). This premature translational stop signal has been observed in individual(s) with tuberous sclerosis complex (PMID: 10205261). ClinVar contains an entry for this variant (Variation ID: 49821). Algorithms developed to predict the effect of sequence changes on RNA splicing suggest that this variant may create or strengthen a splice site. For these reasons, this variant has been classified as Pathogenic.

Cambridge Genomics Laboratory, East Genomic Laboratory Hub, NHS Genomic Medicine Service
Classification: Pathogenic for Tuberous sclerosis. Last evaluated: 2024-01-11. Review status: criteria provided, single submitter. Criteria: ACGS Best Practice Guidelines for Variant Classification in Rare Disease 2020. Collection method: clinical testing. Allele origin: germline. Affected: yes.
Comment: PVS1,PS4_Moderate

Tuberous sclerosis database (TSC2)
No classification provided. Condition: TSC. Review status: no classification provided. Criteria: Tuberous Sclerosis Database Assertion Criteria 2015. Collection method: curation. Allele origin: germline. Affected: yes. Not counted in ClinVar's aggregate classification.

Literature cited by the submitters: PubMed 10205261 (cited by Ambry Genetics and Labcorp Genetics (formerly Invitae), Labcorp); PubMed 15121797 (cited by Ambry Genetics); PubMed 28065512 (cited by Ambry Genetics); PubMed 17304050 (cited by Labcorp Genetics (formerly Invitae), Labcorp).

NM_000548.5(TSC2):c.4255C>T (p.Gln1419Ter)

Gene: TSC2 (TSC complex subunit 2; plus strand). Cytogenetic location: 16p13.3.
Variant type: single nucleotide variant.
Coding change: c.4255C>T on transcript NM_000548.5 (MANE Select); coding-DNA position 4255, C replaced by T.
Protein change: p.Gln1419Ter; replaces glutamine 1419 with a stop codon.
Molecular consequence: nonsense.
Genome position (GRCh38, 1-based): chr16:2,084,477, C>T. VCF-style: chr16-2084477-C-T. GRCh37 (hg19) VCF-style: chr16-2134478-C-T.
Other names: c.4054C>T, p.Gln1352Ter (NM_001077183.3); c.4186C>T, p.Gln1396Ter (NM_001114382.3); c.3946C>T, p.Gln1316Ter (NM_001318827.2); c.3910C>T, p.Gln1304Ter (NM_001318829.2); c.3523C>T, p.Gln1175Ter (NM_001318831.2); c.4087C>T, p.Gln1363Ter (NM_001318832.2); c.4057C>T, p.Gln1353Ter (NM_001363528.2); c.4123C>T, p.Gln1375Ter (NM_001370404.1); and 1 more; short protein forms Q1419*, Q1376*, Q1396*, Q1375*, Q1316*, Q1352*, Q1353*, Q1175*.
Identifiers: ClinVar variation 49821 (VCV000049821.13), dbSNP rs45437193, ClinGen allele CA020121.